The following is an entry in ClinVar:

NM_001079843.3(CASZ1):c.1553G>A (p.Arg518His)

Gene: CASZ1 (castor zinc finger 1; minus strand). Cytogenetic location: 1p36.22.
Variant type: single nucleotide variant.
Coding change: c.1553G>A on transcript NM_001079843.3 (MANE Select); coding-DNA position 1553, G replaced by A.
Protein change: p.Arg518His; replaces arginine 518 with histidine.
Molecular consequence: missense variant.
Genome position (GRCh38, 1-based): chr1:10,655,761, C>T on the plus strand (G>A on the coding strand, the complement: CASZ1 is on the minus strand). VCF-style: chr1-10655761-C-T. GRCh37 (hg19) VCF-style: chr1-10715818-C-T.
Other names: c.1553G>A, p.Arg518His (NM_017766.5); short protein forms R518H.
Identifiers: ClinVar variation 4992386 (VCV004992386.1).
Genomic context (GRCh38, chr1:10,655,761, plus strand): 5'-TAGACGCTGCAGTCGTCCAGCGGGCTGAAACGCATGAAGCCGTGCTGCAGGGAGTTGTCG[C>T]GCTTCTTGTGCATGTTGTAGTGGCGGATCACGTCCTGCTTACTCGTGAACCTCTGCCAGG-3'
Protein context (NP_001073312.1, residues 508-528): VIRHYNMHKK[Arg518His]DNSLQHGFMR

ClinVar aggregate classification (germline): Uncertain significance (1 of 4 stars; one submission).

Conditions:
CASZ1-related disorder. Also called: CASZ1-related condition.

Submission:

PreventionGenetics, part of Exact Sciences
Classification: Uncertain significance for CASZ1-related condition. Last evaluated: 2026-01-08. Review status: criteria provided, single submitter. Criteria: ACMG Guidelines, 2015. Collection method: clinical testing. Allele origin: germline.
Comment: The CASZ1 c.1553G>A variant is predicted to result in the amino acid substitution p.Arg518His. To our knowledge, this variant has not been reported in the literature or in a large population database (gnomAD), indicating this variant is rare. At this time, the clinical significance of this variant is uncertain due to the absence of conclusive functional and genetic evidence.